The following is an entry in ClinVar:

NM_001401501.2(MUC16):c.31599C>T (p.Thr10533=)

Gene: MUC16 (mucin 16, cell surface associated; minus strand). Cytogenetic location: 19p13.2.
Variant type: single nucleotide variant.
Coding change: c.31599C>T on transcript NM_001401501.2 (MANE Select); coding-DNA position 31599, C replaced by T.
Protein change: p.Thr10533=; no amino-acid change (threonine 10533 retained).
Molecular consequence: synonymous variant.
Genome position (GRCh38, 1-based): chr19:8,939,476, G>A on the plus strand (C>T on the coding strand, the complement: MUC16 is on the minus strand). VCF-style: chr19-8939476-G-A. GRCh37 (hg19) VCF-style: chr19-9050152-G-A.
Other names: c.32025C>T, p.Thr10675= (NM_001414686.1); c.31479C>T, p.Thr10493= (NM_001414687.1, NM_024690.2).
Identifiers: ClinVar variation 3034358 (VCV003034358.2), dbSNP rs191273920, ClinGen allele CA9166841.

ClinVar aggregate classification (germline): Likely benign (0 of 4 stars; one submission).

Conditions:
MUC16-related disorder. Also called: MUC16-related condition.

Allele frequency attached by ClinVar (database versions not stated): ESP Exome Variant Server 0.00008; TOPMed 0.00011; gnomAD 0.00020; ExAC 0.00027; 1000 Genomes Project 30x 0.00219; 1000 Genomes Project 0.00220.

Submission:

PreventionGenetics, part of Exact Sciences
Classification: Likely benign for MUC16-related condition. Last evaluated: 2019-06-18. Review status: no assertion criteria provided. Collection method: clinical testing. Allele origin: germline.
Comment: This variant is classified as likely benign based on ACMG/AMP sequence variant interpretation guidelines (Richards et al. 2015 PMID: 25741868, with internal and published modifications).